The following is an entry in ClinVar:

ClinVar aggregate classification (germline): Pathogenic (1 of 4 stars; one submission).

Conditions:
Phenylketonuria (PKU). Also called: OLIGOPHRENIA PHENYLPYRUVICA; Phenylketonuria (PKU); Phenylketonurias; FOLLING DISEASE. Identifiers: Orphanet 716, MedGen C0031485, MONDO:0009861, OMIM 261600. Disease mechanism: loss of function.

Submission:

Labcorp Genetics (formerly Invitae), Labcorp
Classification: Pathogenic for Phenylketonuria. Last evaluated: 2019-07-25. Review status: criteria provided, single submitter. Criteria: Invitae Variant Classification Sherloc (09022015). Collection method: clinical testing. Allele origin: germline.
Comment: For these reasons, this variant has been classified as Pathogenic. Loss-of-function variants in PAH are known to be pathogenic (PMID: 1301187, 9634518). This variant has not been reported in the literature in individuals with PAH-related conditions. This variant is not present in population databases (ExAC no frequency). This sequence change creates a premature translational stop signal (p.Gln267Hisfs*74) in the PAH gene. It is expected to result in an absent or disrupted protein product.

Literature cited by the submitters: PubMed 1301187; PubMed 9634518.

NM_000277.3(PAH):c.801del (p.Gln267fs)

Gene: PAH (phenylalanine hydroxylase; minus strand). Cytogenetic location: 12q23.2.
Variant type: Deletion.
Coding change: c.801del on transcript NM_000277.3 (MANE Select); coding-DNA position 801, one base deleted (G; older notation c.801delG).
Protein change: p.Gln267fs; shifts the reading frame from glutamine 267.
Molecular consequence: frameshift variant.
Genome position (GRCh38, 1-based): chr12:102,852,856, C deleted on the plus strand (G on the coding strand, the reverse complement: PAH is on the minus strand). VCF-style (leftmost placement, unchanged base first): chr12-102852855-AC-A. GRCh37 (hg19) VCF-style: chr12-103246633-AC-A.
Other names: c.801del, p.Gln267fs (NM_001354304.2); short protein forms Q267fs.
Identifiers: ClinVar variation 950310 (VCV000950310.7), dbSNP rs1875230062, ClinGen allele CA1139660757.